The following is an entry in ClinVar:

NM_003334.4(UBA1):c.2412C>T (p.Gly804=)

Gene: UBA1 (ubiquitin like modifier activating enzyme 1; plus strand). Cytogenetic location: Xp11.3.
Variant type: single nucleotide variant.
Coding change: c.2412C>T on transcript NM_003334.4 (MANE Select); coding-DNA position 2412, C replaced by T.
Protein change: p.Gly804=; no amino-acid change (glycine 804 retained).
Molecular consequence: synonymous variant.
Genome position (GRCh38, 1-based): chrX:47,211,173, C>T. VCF-style: chrX-47211173-C-T. GRCh37 (hg19) VCF-style: chrX-47070572-C-T.
Other names: c.2412C>T, p.Gly804= (NM_153280.3).
Identifiers: ClinVar variation 1099527 (VCV001099527.33), dbSNP rs201456998, ClinGen allele CA10396116.

ClinVar aggregate classification (germline): Likely benign. Review status: criteria provided, multiple submitters, no conflicts (2 of 4 stars). 2 submissions from 2 submitters: Likely benign (2). Last evaluated 2024-04-12.

Conditions:
Infantile-onset X-linked spinal muscular atrophy. Also called: Spinal Muscular Atrophy, X-Linked Infantile; SPINAL MUSCULAR ATROPHY, X-LINKED LETHAL INFANTILE; AMC, DISTAL, X-LINKED; ARTHROGRYPOSIS, X-LINKED, TYPE I; Spinal muscular atrophy, X-linked 2. Identifiers: Orphanet 1145, MedGen C1844934, MONDO:0010532, OMIM 301830.

Allele frequency attached by ClinVar (database versions not stated): TOPMed below 0.00001; ExAC 0.00001; gnomAD 0.00001; gnomAD exomes 0.00001.
gnomAD v4.1: 7 of 1,209,816 alleles (0.00058%); highest among the groups gnomAD compares: South Asian, 0.0035%; no homozygotes.

Submissions (2):

Labcorp Genetics (formerly Invitae), Labcorp
Classification: Likely benign for Infantile-onset X-linked spinal muscular atrophy. Last evaluated: 2024-04-12. Review status: criteria provided, single submitter. Criteria: Invitae Variant Classification Sherloc (09022015). Collection method: clinical testing. Allele origin: germline.

CeGaT Center for Human Genetics Tuebingen
Classification: Likely benign. Last evaluated: 2022-07-01. Review status: criteria provided, single submitter. Criteria: CeGaT Center For Human Genetics Tuebingen Variant Classification Criteria Version 2. Collection method: clinical testing. Allele origin: germline. Affected: yes. Observed: 1 variant allele.
Comment: UBA1: BP4, BP7